The following is an entry in ClinVar:

ClinVar aggregate classification (germline): Likely benign. Review status: criteria provided, multiple submitters, no conflicts (2 of 4 stars). 2 submissions from 2 submitters: Likely benign (2). Last evaluated 2025-07-23.

Conditions:
SEMA3D-related disorder. Also called: SEMA3D-related condition.

Allele frequency attached by ClinVar (database versions not stated): ExAC 0.00052; TOPMed 0.00082; gnomAD 0.00083; gnomAD exomes 0.00126; ESP Exome Variant Server 0.00161.
gnomAD v4.1: 2,018 of 1,613,904 alleles (0.13%); highest among the groups gnomAD compares: Non-Finnish European, 0.16%; 5 homozygotes.

Submissions (2):

PreventionGenetics, part of Exact Sciences
Classification: Likely benign for SEMA3D-related condition. Last evaluated: 2025-07-23. Review status: criteria provided, single submitter. Criteria: ACMG Guidelines, 2015. Collection method: clinical testing. Allele origin: germline.
Comment: This variant is classified as likely benign based on ACMG/AMP sequence variant interpretation guidelines (Richards et al. 2015 PMID: 25741868, with internal and published modifications).

CeGaT Center for Human Genetics Tuebingen
Classification: Likely benign. Last evaluated: 2023-10-01. Review status: criteria provided, single submitter. Criteria: CeGaT Center For Human Genetics Tuebingen Variant Classification Criteria Version 2. Collection method: clinical testing. Allele origin: germline. Affected: yes. Observed: 1 variant allele.
Comment: SEMA3D: BP4

NM_001384900.1(SEMA3D):c.2027T>C (p.Ile676Thr)

Genes: SEMA3D (semaphorin 3D; minus strand), LOC126860094 (BRD4-independent group 4 enhancer GRCh37_chr7:84628763-84629962; plus strand). Cytogenetic location: 7q21.11.
Variant type: single nucleotide variant.
Coding change: c.2027T>C on transcript NM_001384900.1 (MANE Select); coding-DNA position 2027, T replaced by C.
Protein change: p.Ile676Thr; replaces isoleucine 676 with threonine.
Molecular consequence: missense variant.
Genome position (GRCh38, 1-based): chr7:84,999,747, A>G on the plus strand (T>C on the coding strand, the complement: SEMA3D is on the minus strand). VCF-style: chr7-84999747-A-G. GRCh37 (hg19) VCF-style: chr7-84629063-A-G.
Other names: c.2027T>C, p.Ile676Thr (NM_001384901.1, NM_001384902.1, NM_001384903.1 and 1 more transcripts); short protein forms I676T.
Identifiers: ClinVar variation 2636517 (VCV002636517.26), dbSNP rs34138570, ClinGen allele CA4323220.